The following is an entry in ClinVar:

NM_000352.6(ABCC8):c.678_685delinsTTCGTGATCTGTTCAT (p.Lys227_Thr229delinsSerTer)

Gene: ABCC8 (ATP binding cassette subfamily C member 8; minus strand). Cytogenetic location: 11p15.1.
Variant type: Indel.
Coding change: c.678_685delinsTTCGTGATCTGTTCAT on transcript NM_000352.6 (MANE Select); coding-DNA positions 678 to 685, CAAAGGCA replaced by TTCGTGATCTGTTCAT.
Protein change: p.Lys227_Thr229delinsSerTer.
Molecular consequence: nonsense. On other transcripts: non-coding transcript variant (1).
Genome position (GRCh38, 1-based): chr11:17,461,720-17,461,727, TGCCTTTG replaced by ATGAACAGATCACGAA on the plus strand (CAAAGGCA replaced by TTCGTGATCTGTTCAT on the coding strand, the reverse complement: ABCC8 is on the minus strand). VCF-style: chr11-17461720-TGCCTTTG-ATGAACAGATCACGAA. GRCh37 (hg19) VCF-style: chr11-17483267-TGCCTTTG-ATGAACAGATCACGAA.
Other names: c.678_685delinsTTCGTGATCTGTTCAT, p.Lys227_Thr229delinsSerTer (NM_001287174.3, NM_001351295.2, NM_001351296.2 and 1 more transcripts).
Identifiers: ClinVar variation 4818258 (VCV004818258.1).
Genomic context (GRCh38, chr11:17,461,720, plus strand): 5'-CTCGCAAGTCGATGGGCTTCTTGTGGGCAGTCTTGATGAAGGCGTTCATCCACCAGTAGG[TGCCTTTG>ATGAACAGATCACGAA]GACAGCAGATTCACGAAGGGCTGCAGGAAGCGTACCCCCAGGTCTTGCAGGTCCTCGGGA-3'

ClinVar aggregate classification (germline): Likely pathogenic (1 of 4 stars; one submission).

Conditions:
Hereditary hyperinsulinism.

Submission:

Natera, Inc.
Classification: Likely pathogenic for Hereditary hyperinsulinism. Last evaluated: 2025-06-17. Review status: criteria provided, single submitter. Criteria: Natera Variant Classification Schema (03/2026). Collection method: clinical testing. Allele origin: germline.
Comment: The c.678_685delinsTTCGTGATCTGTTCAT variant in ABCC8 is a frameshift variant predicted to shift the reading frame beginning at codon 227 and leads to a stop codon 2 codons downstream. This variant is expected to result in nonsense mediated decay, truncation, or a dysfunctional protein product. This variant is rare in the general population with a frequency below the threshold expected for the associated phenotype(s). Given the available evidence, this variant is classified as Likely Pathogenic.